The following is an entry in ClinVar:

ClinVar aggregate classification (germline): Uncertain significance (1 of 4 stars; one submission).

Conditions:
Adenylosuccinate lyase deficiency (ADSLD). Also called: ADSL DEFICIENCY. Identifiers: Orphanet 46, MedGen C0268126, MONDO:0007068, OMIM 103050.

Submission:

Labcorp Genetics (formerly Invitae), Labcorp
Classification: Uncertain significance for Adenylosuccinate lyase deficiency. Last evaluated: 2025-07-25. Review status: criteria provided, single submitter. Criteria: Invitae Variant Classification Sherloc (09022015). Collection method: clinical testing. Allele origin: germline.
Comment: This variant occurs in a non-coding region of the ADSL gene. It does not change the encoded amino acid sequence of the ADSL protein. This variant is not present in population databases (gnomAD no frequency). This variant has not been reported in the literature in individuals affected with ADSL-related conditions. Experimental studies and prediction algorithms are not available or were not evaluated, and the functional significance of this variant is currently unknown. In summary, the available evidence is currently insufficient to determine the role of this variant in disease. Therefore, it has been classified as a Variant of Uncertain Significance.

NC_000022.11:g.40346350C>A

Gene: ADSL (adenylosuccinate lyase; plus strand). Cytogenetic location: 22q13.1.
Variant type: single nucleotide variant.
Genome position: GRCh38 VCF-style: chr22-40346350-C-A. GRCh37 (hg19) VCF-style: chr22-40742354-C-A.
Identifiers: ClinVar variation 4720909 (VCV004720909.1).